The following is an entry in ClinVar:

NM_016335.6(PRODH):c.531_532delinsTA (p.Asp178Asn)

Gene: PRODH (proline dehydrogenase 1; minus strand). Cytogenetic location: 22q11.21.
Variant type: Indel.
Coding change: c.531_532delinsTA on transcript NM_016335.6 (MANE Select); coding-DNA positions 531 to 532, GG replaced by TA.
Protein change: p.Asp178Asn; replaces aspartic acid 178 with asparagine.
Molecular consequence: missense variant.
Genome position (GRCh38, 1-based): chr22:18,925,186-18,925,187, CC replaced by TA on the plus strand (GG replaced by TA on the coding strand, the reverse complement: PRODH is on the minus strand). VCF-style: chr22-18925186-CC-TA. GRCh37 (hg19) VCF-style: chr22-18912699-CC-TA.
Other names: c.207_208delinsTA, p.Asp70Asn (NM_001195226.2, NM_001368250.2); short protein forms D178N, D70N.
Identifiers: ClinVar variation 1716473 (VCV001716473.5), dbSNP rs2517455900, ClinGen allele CA2580099080.
Genomic context (GRCh38, chr22:18,925,186, plus strand): 5'-GGGCACTGATGACACCATTCCTGCGGTCCCCGAAGGCCCAGTGGGCCTGGTATTGCTTGT[CC>TA]CGCTTATTCGTGCCTGGAATAGCGAATGCACGGCCTGAGCACAGCTCCAAACACCCACCC-3'
Protein context (NP_057419.5, residues 168-188): ERDGSGTNKR[Asp178Asn]KQYQAHWAFG

ClinVar aggregate classification (germline): Uncertain significance (1 of 4 stars; one submission).

Conditions:
Proline dehydrogenase deficiency (HYRPRO1). Also called: Hyperprolinemia type 1; PROLINE OXIDASE DEFICIENCY. Identifiers: Orphanet 419, MedGen C0268529, MONDO:0009400, OMIM 239500.

Submission:

Labcorp Genetics (formerly Invitae), Labcorp
Classification: Uncertain significance for Proline dehydrogenase deficiency. Last evaluated: 2022-08-15. Review status: criteria provided, single submitter. Criteria: Invitae Variant Classification Sherloc (09022015). Collection method: clinical testing. Allele origin: germline.
Comment: In summary, the available evidence is currently insufficient to determine the role of this variant in disease. Therefore, it has been classified as a Variant of Uncertain Significance. Experimental studies and prediction algorithms are not available or were not evaluated, and the functional significance of this variant is currently unknown. This variant has not been reported in the literature in individuals affected with PRODH-related conditions. Information on the frequency of this variant in the gnomAD database is not available, as this variant may be reported differently in the database. This sequence change replaces aspartic acid, which is acidic and polar, with asparagine, which is neutral and polar, at codon 178 of the PRODH protein (p.Asp178Asn).